The following is an entry in ClinVar:

ClinVar aggregate classification (germline): Uncertain significance. Review status: criteria provided, multiple submitters, no conflicts (2 of 4 stars). 2 submissions from 2 submitters: Uncertain significance (2). Last evaluated 2023-12-04.

Conditions:
Hereditary cancer-predisposing syndrome. Also called: Neoplastic Syndromes, Hereditary; Hereditary Cancer Syndrome; Tumor predisposition; Hereditary neoplastic syndrome. Identifiers: Orphanet 140162, MedGen C0027672, MeSH D009386, MONDO:0015356.
Breast-ovarian cancer, familial, susceptibility to, 4. Identifiers: Orphanet 145, MedGen C3280345, MONDO:0013669, OMIM 614291.

Submissions (2):

Color Diagnostics, LLC DBA Color Health
Classification: Uncertain significance for Hereditary cancer-predisposing syndrome. Last evaluated: 2023-12-04. Review status: criteria provided, single submitter. Criteria: ACMG Guidelines, 2015. Collection method: clinical testing. Allele origin: germline.
Comment: This missense variant replaces serine with arginine at codon 111 of the RAD51D protein. Computational prediction is inconclusive regarding the impact of this variant on protein structure and function (internally defined REVEL score threshold 0.5 < inconclusive < 0.7, PMID: 27666373). To our knowledge, functional studies have not been reported for this variant. This variant has not been reported in individuals affected with RAD51D-related disorders in the literature. This variant has not been identified in the general population by the Genome Aggregation Database (gnomAD). The available evidence is insufficient to determine the role of this variant in disease conclusively. Therefore, this variant is classified as a Variant of Uncertain Significance.

Labcorp Genetics (formerly Invitae), Labcorp
Classification: Uncertain significance for Breast-ovarian cancer, familial, susceptibility to, 4. Last evaluated: 2018-08-06. Review status: criteria provided, single submitter. Criteria: Invitae Variant Classification Sherloc (09022015). Collection method: clinical testing. Allele origin: germline.
Comment: This sequence change replaces serine with arginine at codon 111 of the RAD51D protein (p.Ser111Arg). The serine residue is moderately conserved and there is a moderate physicochemical difference between serine and arginine. This variant is not present in population databases (ExAC no frequency). This variant has not been reported in the literature in individuals with RAD51D-related disease. Algorithms developed to predict the effect of missense changes on protein structure and function do not agree on the potential impact of this missense change (SIFT: "Deleterious"; PolyPhen-2: "Probably Damaging"; Align-GVGD: "Class C0"). In summary, the available evidence is currently insufficient to determine the role of this variant in disease. Therefore, it has been classified as a Variant of Uncertain Significance.

NM_002878.4(RAD51D):c.333C>A (p.Ser111Arg)

Genes: RAD51L3-RFFL (RAD51L3-RFFL readthrough; minus strand), RAD51D (RAD51 paralog D; minus strand). Cytogenetic location: 17q12.
Variant type: single nucleotide variant.
Coding change: c.333C>A on transcript NM_002878.4 (MANE Select); coding-DNA position 333, C replaced by A.
Protein change: p.Ser111Arg; replaces serine 111 with arginine.
Molecular consequence: missense variant. On other transcripts: non-coding transcript variant (2), intron variant (1).
Genome position (GRCh38, 1-based): chr17:35,107,378, G>T on the plus strand (C>A on the coding strand, the complement: RAD51D is on the minus strand). VCF-style: chr17-35107378-G-T. GRCh37 (hg19) VCF-style: chr17-33434397-G-T.
Other names: c.393C>A, p.Ser131Arg (NM_001142571.2); c.145-897C>A (NM_133629.3); short protein forms S111R, S131R.
Identifiers: ClinVar variation 583034 (VCV000583034.12), dbSNP rs369396909, ClinGen allele CA399089904.